The following is an entry in ClinVar:

NM_000159.4(GCDH):c.349G>A (p.Gly117Arg)

Gene: GCDH (glutaryl-CoA dehydrogenase; plus strand). Cytogenetic location: 19p13.13.
Variant type: single nucleotide variant.
Coding change: c.349G>A on transcript NM_000159.4 (MANE Select); coding-DNA position 349, G replaced by A.
Protein change: p.Gly117Arg; replaces glycine 117 with arginine.
Molecular consequence: missense variant. On other transcripts: non-coding transcript variant (2).
Genome position (GRCh38, 1-based): chr19:12,893,497, G>A. VCF-style: chr19-12893497-G-A. GRCh37 (hg19) VCF-style: chr19-13004311-G-A.
Other names: c.349G>A, p.Gly117Arg (NM_013976.5); short protein forms G117R.
Identifiers: ClinVar variation 2780431 (VCV002780431.3), dbSNP rs2512567826, ClinGen allele CA404317306.
Genomic context (GRCh38, chr19:12,893,497, plus strand): 5'-GGGCCCTGTTCTCTATTGTCCTGCTTTCCCCTCCTACTACCACCAGGATATGGCTGTGCT[G>A]GGGTTTCGTCTGTGGCCTATGGGCTCCTGGCCCGAGAGCTGGAGCGGGTGGACAGTGGCT-3'
Protein context (NP_000150.1, residues 107-127): GPTIKGYGCA[Gly117Arg]VSSVAYGLLA

ClinVar aggregate classification (germline): Pathogenic (1 of 4 stars; one submission).

Conditions:
Glutaric aciduria, type 1. Also called: GA I; Glutaricaciduria, type I; Glutaryl-CoA dehydrogenase deficiency; Glutaric acidemia type I; Glutaricacidemia Type 1; Glutaric Acidemia Type 1. Identifiers: Orphanet 25, MedGen C0268595, MONDO:0009281, OMIM 231670.

Allele frequency attached by ClinVar (database versions not stated): gnomAD exomes below 0.00001.
gnomAD v4.1: 1 of 1,614,040 alleles (0.000062%); highest among the groups gnomAD compares: Non-Finnish European, 0.000085%; no homozygotes.

Submission:

Labcorp Genetics (formerly Invitae), Labcorp
Classification: Pathogenic for Glutaric aciduria, type 1. Last evaluated: 2026-01-26. Review status: criteria provided, single submitter. Criteria: Invitae Variant Classification Sherloc (09022015). Collection method: clinical testing. Allele origin: germline.
Comment: This sequence change replaces glycine, which is neutral and non-polar, with arginine, which is basic and polar, at codon 117 of the GCDH protein (p.Gly117Arg). This variant is not present in population databases (gnomAD no frequency). This missense change has been observed in individual(s) with glutaric acidemia type I (PMID: 32777384, 33578440). ClinVar contains an entry for this variant (Variation ID: 2780431). Invitae Evidence Modeling of protein sequence and biophysical properties (such as structural, functional, and spatial information, amino acid conservation, physicochemical variation, residue mobility, and thermodynamic stability) indicates that this missense variant is expected to disrupt GCDH protein function with a positive predictive value of 80%. For these reasons, this variant has been classified as Pathogenic.

Literature cited by the submitters: PubMed 32777384; PubMed 33578440.